The following is an entry in ClinVar:

ClinVar aggregate classification (germline): Benign/Likely benign. Review status: criteria provided, multiple submitters, no conflicts (2 of 4 stars). 5 submissions from 5 submitters: Benign (1); Likely benign (4). Last evaluated 2026-01-19.

Conditions:
Hereditary cancer-predisposing syndrome. Also called: Tumor predisposition; Hereditary neoplastic syndrome; Neoplastic Syndromes, Hereditary; Hereditary Cancer Syndrome. Identifiers: Orphanet 140162, MedGen C0027672, MeSH D009386, MONDO:0015356.
Hereditary leiomyomatosis and renal cell cancer. Also called: Familial leiomyomatosis; MULTIPLE CUTANEOUS AND UTERINE LEIOMYOMATA 1, WITH OR WITHOUT RENAL CELL CARCINOMA; Multiple cutaneous leiomyomas; Reed syndrome; Multiple cutaneous and uterine leiomyomatosis; Cutaneous leiomyomata with uterine leiomyomata. Identifiers: Orphanet 523, MedGen C1708350, MONDO:0007888, OMIM 150800, HP:0007437. Disease mechanism: loss of function.

Allele frequency attached by ClinVar (database versions not stated): ExAC 0.00002; gnomAD exomes 0.00002; gnomAD 0.00005 and 0.00006; TOPMed 0.00006; ESP Exome Variant Server 0.00008.
gnomAD v4.1: 35 of 1,614,026 alleles (0.0022%); highest among the groups gnomAD compares: African/African-American, 0.013%; no homozygotes.

Submissions (5):

Labcorp Genetics (formerly Invitae), Labcorp
Classification: Likely benign. Last evaluated: 2026-01-19. Review status: criteria provided, single submitter. Criteria: Invitae Variant Classification Sherloc (09022015). Collection method: clinical testing. Allele origin: germline.

Quest Diagnostics Nichols Institute San Juan Capistrano
Classification: Likely benign. Last evaluated: 2025-04-16. Review status: criteria provided, single submitter. Criteria: Quest Diagnostics criteria. Collection method: clinical testing. Allele origin: unknown.

Myriad Genetics, Inc.
Classification: Benign for Hereditary leiomyomatosis and renal cell cancer. Last evaluated: 2024-10-18. Review status: criteria provided, single submitter. Criteria: Myriad Autosomal Dominant, Autosomal Recessive and X-Linked Classification Criteria (2023). Collection method: clinical testing. Allele origin: unknown.
Comment: This variant is considered benign. This variant is a silent/synonymous amino acid change and it is not expected to impact splicing.

GeneDx
Classification: Likely benign. Last evaluated: 2019-10-24. Review status: criteria provided, single submitter. Criteria: GeneDx Variant Classification Process June 2021. Collection method: clinical testing. Allele origin: germline. Affected: yes.

Ambry Genetics
Classification: Likely benign for Hereditary cancer-predisposing syndrome. Last evaluated: 2016-03-25. Review status: criteria provided, single submitter. Criteria: Ambry Variant Classification Scheme 2023. Collection method: clinical testing. Allele origin: germline.

NM_000143.4(FH):c.957C>T (p.Asp319=)

Gene: FH (fumarate hydratase; minus strand). Cytogenetic location: 1q43.
Variant type: single nucleotide variant.
Coding change: c.957C>T on transcript NM_000143.4 (MANE Select); coding-DNA position 957, C replaced by T.
Protein change: p.Asp319=; no amino-acid change (aspartic acid 319 retained).
Molecular consequence: synonymous variant.
Genome position (GRCh38, 1-based): chr1:241,504,193, G>A on the plus strand (C>T on the coding strand, the complement: FH is on the minus strand). VCF-style: chr1-241504193-G-A. GRCh37 (hg19) VCF-style: chr1-241667493-G-A.
Identifiers: ClinVar variation 460383 (VCV000460383.19), dbSNP rs146751488, ClinGen allele CA1478567.
Genomic context (GRCh38, chr1:241,504,193, plus strand): 5'-TGCTATCTTCATCAGACTGCAGGCAGTAGTGTTCATGGCTCCACTGAGCTCAACCAGAGC[G>A]TCATGAGCAGCCAGAGCTTCAAATTTATTCGGAGCAGTGACAAAAGGCAAGCCTAAAGAA-3'
Protein context (NP_000134.2, residues 309-329): PNKFEALAAH[Asp319=]ALVELSGAMN